The following is an entry in ClinVar:

ClinVar aggregate classification (germline): Uncertain significance (1 of 4 stars; one submission).

Conditions:
LOXHD1-related disorder. Also called: LOXHD1-related condition.

gnomAD v4.1: 8 of 1,551,922 alleles (0.00052%); highest among the groups gnomAD compares: Non-Finnish European, 0.00061%; no homozygotes.

Submission:

PreventionGenetics, part of Exact Sciences
Classification: Uncertain significance for LOXHD1-related condition. Last evaluated: 2024-12-19. Review status: criteria provided, single submitter. Criteria: ACMG Guidelines, 2015. Collection method: clinical testing. Allele origin: germline.
Comment: The LOXHD1 c.3568G>A variant is predicted to result in the amino acid substitution p.Gly1190Ser. To our knowledge, this variant has not been reported in the literature. This variant is reported in 0.0016% of alleles in individuals of European (Non-Finnish) descent in gnomAD. At this time, the clinical significance of this variant is uncertain due to the absence of conclusive functional and genetic evidence.

NM_001384474.1(LOXHD1):c.3568G>A (p.Gly1190Ser)

Gene: LOXHD1 (lipoxygenase homology PLAT domains 1; minus strand). Cytogenetic location: 18q21.1.
Variant type: single nucleotide variant.
Coding change: c.3568G>A on transcript NM_001384474.1 (MANE Select); coding-DNA position 3568, G replaced by A.
Protein change: p.Gly1190Ser; replaces glycine 1190 with serine.
Molecular consequence: missense variant. On other transcripts: 5 prime UTR variant (1).
Genome position (GRCh38, 1-based): chr18:46,545,368, C>T on the plus strand (G>A on the coding strand, the complement: LOXHD1 is on the minus strand). VCF-style: chr18-46545368-C-T. GRCh37 (hg19) VCF-style: chr18-44125331-C-T.
Other names: c.235G>A, p.Gly79Ser (NM_001145472.3); c.-54G>A (NM_001308013.2); c.3568G>A, p.Gly1190Ser (NM_144612.7); short protein forms G1190S, G79S.
Identifiers: ClinVar variation 4989491 (VCV004989491.1).